The following is an entry in ClinVar:

ClinVar aggregate classification (germline): Uncertain significance (1 of 4 stars; one submission).

Conditions:
Hereditary cancer-predisposing syndrome. Also called: Hereditary Cancer Syndrome; Neoplastic Syndromes, Hereditary; Tumor predisposition; Hereditary neoplastic syndrome. Identifiers: Orphanet 140162, MedGen C0027672, MeSH D009386, MONDO:0015356.

Submission:

Ambry Genetics
Classification: Uncertain significance for Hereditary cancer-predisposing syndrome. Last evaluated: 2026-07-07. Review status: criteria provided, single submitter. Criteria: Ambry Variant Classification Scheme 2023. Collection method: clinical testing. Allele origin: germline.
Comment: The p.P1646A variant (also known as c.4936C>G), located in coding exon 22 of the DICER1 gene, results from a C to G substitution at nucleotide position 4936. The proline at codon 1646 is replaced by alanine, an amino acid with highly similar properties. This amino acid position is conserved. In addition, the in silico prediction for this alteration is inconclusive. Based on the available evidence, the clinical significance of this variant remains unclear.

NM_177438.3(DICER1):c.4936C>G (p.Pro1646Ala)

Gene: DICER1 (dicer 1, ribonuclease III; minus strand). Cytogenetic location: 14q32.13.
Variant type: single nucleotide variant.
Coding change: c.4936C>G on transcript NM_177438.3 (MANE Select); coding-DNA position 4936, C replaced by G.
Protein change: p.Pro1646Ala; replaces proline 1646 with alanine.
Molecular consequence: missense variant. On other transcripts: non-coding transcript variant (6).
Genome position (GRCh38, 1-based): chr14:95,095,984, G>C on the plus strand (C>G on the coding strand, the complement: DICER1 is on the minus strand). VCF-style: chr14-95095984-G-C. GRCh37 (hg19) VCF-style: chr14-95562321-G-C.
Other names: c.4936C>G, p.Pro1646Ala (NM_001195573.1, NM_001271282.3, NM_001291628.2 and 12 more transcripts); c.4654C>G, p.Pro1552Ala (NM_001395686.1); c.4531C>G, p.Pro1511Ala (NM_001395687.1, NM_001395688.1, NM_001395689.1 and 2 more transcripts); c.4369C>G, p.Pro1457Ala (NM_001395691.1); c.3253C>G, p.Pro1085Ala (NM_001395697.1); short protein forms P1457A, P1552A, P1646A, P1511A, P1085A.
Identifiers: ClinVar variation 5035285 (VCV005035285.1).